The following is an entry in ClinVar:

NM_001364905.1(LRBA):c.2209G>A (p.Val737Ile)

Gene: LRBA (LPS responsive beige-like anchor protein; minus strand). Cytogenetic location: 4q31.3.
Variant type: single nucleotide variant.
Coding change: c.2209G>A on transcript NM_001364905.1 (MANE Select); coding-DNA position 2209, G replaced by A.
Protein change: p.Val737Ile; replaces valine 737 with isoleucine.
Molecular consequence: missense variant.
Genome position (GRCh38, 1-based): chr4:150,872,712, C>T on the plus strand (G>A on the coding strand, the complement: LRBA is on the minus strand). VCF-style: chr4-150872712-C-T. GRCh37 (hg19) VCF-style: chr4-151793864-C-T.
Other names: c.2209G>A, p.Val737Ile (NM_001199282.3, NM_001367550.1, NM_006726.5); short protein forms V737I.
Identifiers: ClinVar variation 283042 (VCV000283042.59), dbSNP rs151213445, ClinGen allele CA3103329.

ClinVar aggregate classification (germline): Conflicting classifications of pathogenicity. Review status: criteria provided, conflicting classifications (1 of 4 stars). 7 submissions from 7 submitters: Uncertain significance (5); Likely benign (2). Last evaluated 2026-04-09.

Conditions:
Combined immunodeficiency due to LRBA deficiency. Also called: Common variable immunodeficiency 8, with autoimmunity. Identifiers: Orphanet 445018, MedGen C3553512, MONDO:0013863, OMIM 614700.

Allele frequency attached by ClinVar (database versions not stated): gnomAD exomes 0.00017 and 0.00029; ExAC 0.00021; ESP Exome Variant Server 0.00038; 1000 Genomes Project 30x 0.00062; gnomAD 0.00072 and 0.00078; 1000 Genomes Project 0.00080; TOPMed 0.00081.
gnomAD v4.1: 373 of 1,608,366 alleles (0.023%); highest among the groups gnomAD compares: Middle Eastern, 0.3%; 3 homozygotes.

Submissions (7):

Women's Health and Genetics/Laboratory Corporation of America, LabCorp
Classification: Likely benign. Last evaluated: 2026-04-09. Review status: criteria provided, single submitter. Criteria: LabCorp Variant Classification Summary - May 2015. Collection method: clinical testing. Allele origin: germline.
Comment: Variant summary: LRBA c.2209G>A (p.Val737Ile) results in a conservative amino acid change in the encoded protein sequence. Algorithms developed to predict the effect of missense changes on protein structure and function are either unavailable or do not agree on the potential impact of this missense change. The variant allele was found at a frequency of 0.00023 in 1608366 control chromosomes, predominantly at a frequency of 0.0026 within the African or African-American subpopulation in the gnomAD database, including 3 homozygotes. The observed variant frequency within African or African-American control individuals in the gnomAD database exceeds the estimated maximal expected allele frequency for disease-causing variants in LRBA. c.2209G>A has been observed in individual(s) affected with inflammatory bowel syndrome, Evans syndrome, hemolytic anemia, and/or clinical features of Combined immunodeficiency due to LRBA deficiency (example, Crowley_2020, He_2023, Chiang_2025) without strong evidence for causality. These report(s) do not provide unequivocal conclusions about association of the variant with Combined immunodeficiency due to LRBA deficiency. To our knowledge, no experimental evidence demonstrating an impact on protein function has been reported. The following publications have been ascertained in the context of this evaluation (PMID: 32084423, 35835228, 40220912). ClinVar contains an entry for this variant (Variation ID: 283042). Based on the evidence outlined above, the variant was classified as likely benign.

CeGaT Center for Human Genetics Tuebingen
Classification: Uncertain significance. Last evaluated: 2025-01-01. Review status: criteria provided, single submitter. Criteria: CeGaT Center For Human Genetics Tuebingen Variant Classification Criteria Version 2. Collection method: clinical testing. Allele origin: germline. Affected: yes. Observed: 2 variant alleles.

Blueprint Genetics
Classification: Uncertain significance. Last evaluated: 2024-09-16. Review status: criteria provided, single submitter. Criteria: ACMG Guidelines, 2015. Collection method: clinical testing. Allele origin: germline.

Labcorp Genetics (formerly Invitae), Labcorp
Classification: Uncertain significance for Combined immunodeficiency due to LRBA deficiency. Last evaluated: 2024-01-25. Review status: criteria provided, single submitter. Criteria: Invitae Variant Classification Sherloc (09022015). Collection method: clinical testing. Allele origin: germline.
Comment: This sequence change replaces valine, which is neutral and non-polar, with isoleucine, which is neutral and non-polar, at codon 737 of the LRBA protein (p.Val737Ile). This variant is present in population databases (rs151213445, gnomAD 0.2%). This missense change has been observed in individual(s) with clinical features of LRBA deficiency (PMID: 32084423). ClinVar contains an entry for this variant (Variation ID: 283042). Advanced modeling of protein sequence and biophysical properties (such as structural, functional, and spatial information, amino acid conservation, physicochemical variation, residue mobility, and thermodynamic stability) performed at Invitae indicates that this missense variant is expected to disrupt LRBA protein function with a positive predictive value of 80%. In summary, the available evidence is currently insufficient to determine the role of this variant in disease. Therefore, it has been classified as a Variant of Uncertain Significance.

Dubai Health Genomic Medicine Center, Dubai Health
Classification: Likely benign for Combined immunodeficiency due to LRBA deficiency. Last evaluated: 2021-01-28. Review status: criteria provided, single submitter. Criteria: ACMG Guidelines, 2015. Collection method: clinical testing. Allele origin: germline. Affected: yes.

Fulgent Genetics
Classification: Uncertain significance for Combined immunodeficiency due to LRBA deficiency. Last evaluated: 2018-10-31. Review status: criteria provided, single submitter. Criteria: ACMG Guidelines, 2015. Collection method: clinical testing. Allele origin: unknown.

Eurofins Ntd Llc (ga)
Classification: Uncertain significance. Last evaluated: 2015-09-11. Review status: criteria provided, single submitter. Criteria: EGL Classification Definitions 2015. Collection method: clinical testing. Allele origin: germline. Observed: 1 variant allele, 1 heterozygote.

Literature cited by the submitters: PubMed 32084423 (cited by Women's Health and Genetics/Laboratory Corporation of America, LabCorp and Labcorp Genetics (formerly Invitae), Labcorp); PubMed 40220912 (cited by Women's Health and Genetics/Laboratory Corporation of America, LabCorp); PubMed 35835228 (cited by Women's Health and Genetics/Laboratory Corporation of America, LabCorp).